The following is an entry in ClinVar:

NM_024747.6(HPS6):c.87_108dup (p.Ser37fs)

Genes: HPS6 (HPS6 biogenesis of lysosomal organelles complex 2 subunit 3; plus strand), LOC130004578 (ATAC-STARR-seq lymphoblastoid silent region 2738; plus strand). Cytogenetic location: 10q24.32.
Variant type: Duplication.
Coding change: c.87_108dup on transcript NM_024747.6 (MANE Select); coding-DNA positions 87 to 108, 22 bases duplicated (CTCAGCGGTCCGAGTCCGTGGC).
Protein change: p.Ser37fs; shifts the reading frame from serine 37.
Molecular consequence: frameshift variant.
Genome position (GRCh38, 1-based): chr10:102,065,561-102,065,582, CTCAGCGGTCCGAGTCCGTGGC duplicated. VCF-style (leftmost placement, unchanged base first): chr10-102065560-A-ACTCAGCGGTCCGAGTCCGTGGC. GRCh37 (hg19) VCF-style: chr10-103825317-A-ACTCAGCGGTCCGAGTCCGTGGC.
Other names: short protein forms S37fs.
Identifiers: ClinVar variation 2837145 (VCV002837145.3), dbSNP rs2540986057, ClinGen allele CA2739275943.

ClinVar aggregate classification (germline): Pathogenic (1 of 4 stars; one submission).

Submission:

Labcorp Genetics (formerly Invitae), Labcorp
Classification: Pathogenic. Last evaluated: 2023-02-14. Review status: criteria provided, single submitter. Criteria: Invitae Variant Classification Sherloc (09022015). Collection method: clinical testing. Allele origin: germline.
Comment: This variant disrupts a region of the HPS6 protein in which other variant(s) (p.Gln680*) have been determined to be pathogenic (PMID: 27225848, 29054114, 31141302). This suggests that this is a clinically significant region of the protein, and that variants that disrupt it are likely to be disease-causing. This sequence change creates a premature translational stop signal (p.Ser37Leufs*146) in the HPS6 gene. While this is not anticipated to result in nonsense mediated decay, it is expected to disrupt the last 739 amino acid(s) of the HPS6 protein. This variant is not present in population databases (gnomAD no frequency). This variant has not been reported in the literature in individuals affected with HPS6-related conditions. For these reasons, this variant has been classified as Pathogenic.

Literature cited by the submitters: PubMed 27225848; PubMed 29054114; PubMed 31141302.